The following is an entry in ClinVar:

ClinVar aggregate classification (germline): Uncertain significance (1 of 4 stars; one submission).

Submission:

GeneDx
Classification: Uncertain significance. Last evaluated: 2024-01-19. Review status: criteria provided, single submitter. Criteria: GeneDx Variant Classification Process June 2021. Collection method: clinical testing. Allele origin: germline. Affected: yes.
Comment: Not observed at significant frequency in large population cohorts (gnomAD); In silico analysis supports that this missense variant has a deleterious effect on protein structure/function; Has not been previously published as pathogenic or benign to our knowledge

NM_201253.3(CRB1):c.952G>C (p.Asp318His)

Gene: CRB1 (crumbs cell polarity complex component 1; plus strand). Cytogenetic location: 1q31.3.
Variant type: single nucleotide variant.
Coding change: c.952G>C on transcript NM_201253.3 (MANE Select); coding-DNA position 952, G replaced by C.
Protein change: p.Asp318His; replaces aspartic acid 318 with histidine.
Molecular consequence: missense variant. On other transcripts: non-coding transcript variant (2), intron variant (1).
Genome position (GRCh38, 1-based): chr1:197,347,443, G>C. VCF-style: chr1-197347443-G-C. GRCh37 (hg19) VCF-style: chr1-197316573-G-C.
Other names: c.745G>C, p.Asp249His (NM_001257965.2); c.952G>C, p.Asp318His (NM_001257966.2); c.653-9388G>C (NM_001193640.2); short protein forms D249H, D318H.
Identifiers: ClinVar variation 3367886 (VCV003367886.1).
Genomic context (GRCh38, chr1:197,347,443, plus strand): 5'-TGTGAGACCTTGATGCCTCTTTGTTGGTCAAAACCTTGTCACAATAATGCTACATGTGAG[G>C]ACAGTGTTGACAATTACACTTGTCACTGCTGGCCTGGTGAGTGACAAAATACCTTCCACC-3'
Protein context (NP_957705.1, residues 308-328): KPCHNNATCE[Asp318His]SVDNYTCHCW